The following is an entry in ClinVar:

ClinVar aggregate classification (germline): Uncertain significance (1 of 4 stars; one submission).

Allele frequency attached by ClinVar (database versions not stated): ExAC 0.00002; TOPMed 0.00013; ESP Exome Variant Server 0.00008; gnomAD 0.00008.
gnomAD v4.1: 42 of 1,613,904 alleles (0.0026%); highest among the groups gnomAD compares: African/African-American, 0.024%; no homozygotes.

Submission:

Labcorp Genetics (formerly Invitae), Labcorp
Classification: Uncertain significance. Last evaluated: 2025-11-12. Review status: criteria provided, single submitter. Criteria: Invitae Variant Classification Sherloc (09022015). Collection method: clinical testing. Allele origin: germline.
Comment: This sequence change replaces valine, which is neutral and non-polar, with isoleucine, which is neutral and non-polar, at codon 1051 of the MECOM protein (p.Val1051Ile). This variant is present in population databases (rs372906440, gnomAD 0.02%). This variant has not been reported in the literature in individuals affected with MECOM-related conditions. ClinVar contains an entry for this variant (Variation ID: 2869204). Experimental studies and prediction algorithms are not available or were not evaluated, and the functional significance of this variant is currently unknown. In summary, the available evidence is currently insufficient to determine the role of this variant in disease. Therefore, it has been classified as a Variant of Uncertain Significance.

NM_004991.4(MECOM):c.3715G>A (p.Val1239Ile)

Gene: MECOM (MDS1 and EVI1 complex locus; minus strand). Cytogenetic location: 3q26.2.
Variant type: single nucleotide variant.
Coding change: c.3715G>A on transcript NM_004991.4 (MANE Select); coding-DNA position 3715, G replaced by A.
Protein change: p.Val1239Ile; replaces valine 1239 with isoleucine.
Molecular consequence: missense variant.
Genome position (GRCh38, 1-based): chr3:169,084,914, C>T on the plus strand (G>A on the coding strand, the complement: MECOM is on the minus strand). VCF-style: chr3-169084914-C-T. GRCh37 (hg19) VCF-style: chr3-168802702-C-T.
Other names: c.3346G>A, p.Val1116Ile (NM_001105077.4); c.3151G>A, p.Val1051Ile (NM_001105078.4, NM_001205194.2, NM_001366469.2 and 1 more transcripts); c.3127G>A, p.Val1043Ile (NM_001163999.2, NM_001366470.2); c.3124G>A, p.Val1042Ile (NM_001164000.2, NM_001366471.2, NM_001366472.2); c.3688G>A, p.Val1230Ile (NM_001366466.2); c.3154G>A, p.Val1052Ile (NM_001366467.2, NM_001366468.2); c.2716G>A, p.Val906Ile (NM_001366473.2); c.2152G>A, p.Val718Ile (NM_001366474.2); short protein forms V1043I, V718I, V1116I, V906I, V1051I, V1052I, V1042I, V1230I.
Identifiers: ClinVar variation 2869204 (VCV002869204.3), dbSNP rs372906440, ClinGen allele CA2695824.